The following is an entry in ClinVar:

ClinVar aggregate classification (germline): Uncertain significance (1 of 4 stars; one submission).

Conditions:
EP300-related disorder. Also called: EP300-related condition; EP300-related disorders.

Submission:

PreventionGenetics, part of Exact Sciences
Classification: Uncertain significance for EP300-related condition. Last evaluated: 2025-01-09. Review status: criteria provided, single submitter. Criteria: ACMG Guidelines, 2015. Collection method: clinical testing. Allele origin: germline.
Comment: The EP300 c.3067A>G variant is predicted to result in the amino acid substitution p.Ile1023Val. To our knowledge, this variant has not been reported in the literature or in a large population database (gnomAD), indicating this variant is rare. At this time, the clinical significance of this variant is uncertain due to the absence of conclusive functional and genetic evidence.

NM_001429.4(EP300):c.3067A>G (p.Ile1023Val)

Genes: EP300 (EP300 lysine acetyltransferase; plus strand), LOC126863158 (BRD4-independent group 4 enhancer GRCh37_chr22:41547383-41548582; plus strand). Cytogenetic location: 22q13.2.
Variant type: single nucleotide variant.
Coding change: c.3067A>G on transcript NM_001429.4 (MANE Select); coding-DNA position 3067, A replaced by G.
Protein change: p.Ile1023Val; replaces isoleucine 1023 with valine.
Molecular consequence: missense variant.
Genome position (GRCh38, 1-based): chr22:41,152,275, A>G. VCF-style: chr22-41152275-A-G. GRCh37 (hg19) VCF-style: chr22-41548279-A-G.
Other names: c.2989A>G, p.Ile997Val (NM_001362843.2); short protein forms I1023V, I997V.
Identifiers: ClinVar variation 4997683 (VCV004997683.1).